The following is an entry in ClinVar:

NM_170601.5(SIAE):c.611A>T (p.Tyr204Phe)

Gene: SIAE (sialic acid acetylesterase; minus strand). Cytogenetic location: 11q24.2.
Variant type: single nucleotide variant.
Coding change: c.611A>T on transcript NM_170601.5 (MANE Select); coding-DNA position 611, A replaced by T.
Protein change: p.Tyr204Phe; replaces tyrosine 204 with phenylalanine.
Molecular consequence: missense variant.
Genome position (GRCh38, 1-based): chr11:124,649,730, T>A on the plus strand (A>T on the coding strand, the complement: SIAE is on the minus strand). VCF-style: chr11-124649730-T-A. GRCh37 (hg19) VCF-style: chr11-124519626-T-A.
Other names: c.506A>T, p.Tyr169Phe (NM_001199922.2); short protein forms Y169F, Y204F.
Identifiers: ClinVar variation 2700953 (VCV002700953.3), dbSNP rs757310803, ClinGen allele CA6341463.
Genomic context (GRCh38, chr11:124,649,730, plus strand): 5'-TCAATGGGTGTCCCGCCCCAGCTGGAGGCGATCAGCCCGATGGGATACTGCAGAGTGTCA[T>A]AAAGGTGACGTCCAAAGAGCCAGCACACTGCTGACATGTACTTGAAATATCCATGGCCTA-3'
Protein context (NP_733746.1, residues 194-214): AVCWLFGRHL[Tyr204Phe]DTLQYPIGLI

ClinVar aggregate classification (germline): Uncertain significance (1 of 4 stars; one submission).

Allele frequency attached by ClinVar (database versions not stated): ExAC 0.00001.
gnomAD v4.1: 3 of 1,614,014 alleles (0.00019%); highest among the groups gnomAD compares: African/African-American, 0.0027%; no homozygotes.

Submission:

Labcorp Genetics (formerly Invitae), Labcorp
Classification: Uncertain significance. Last evaluated: 2023-12-09. Review status: criteria provided, single submitter. Criteria: Invitae Variant Classification Sherloc (09022015). Collection method: clinical testing. Allele origin: germline.
Comment: This sequence change replaces tyrosine, which is neutral and polar, with phenylalanine, which is neutral and non-polar, at codon 204 of the SIAE protein (p.Tyr204Phe). This variant is present in population databases (rs757310803, gnomAD 0.007%). This variant has not been reported in the literature in individuals affected with SIAE-related conditions. Algorithms developed to predict the effect of missense changes on protein structure and function output the following: SIFT: "Not Available"; PolyPhen-2: "Benign"; Align-GVGD: "Not Available". The phenylalanine amino acid residue is found in multiple mammalian species, which suggests that this missense change does not adversely affect protein function. In summary, the available evidence is currently insufficient to determine the role of this variant in disease. Therefore, it has been classified as a Variant of Uncertain Significance.